The following is an entry in ClinVar:

NM_001754.5(RUNX1):c.1140C>A (p.Tyr380Ter)

Gene: RUNX1 (RUNX family transcription factor 1; minus strand). Cytogenetic location: 21q22.12.
Variant type: single nucleotide variant.
Coding change: c.1140C>A on transcript NM_001754.5 (MANE Select); coding-DNA position 1140, C replaced by A.
Protein change: p.Tyr380Ter; replaces tyrosine 380 with a stop codon.
Molecular consequence: nonsense.
Genome position (GRCh38, 1-based): chr21:34,792,438, G>T on the plus strand (C>A on the coding strand, the complement: RUNX1 is on the minus strand). VCF-style: chr21-34792438-G-T. GRCh37 (hg19) VCF-style: chr21-36164735-G-T.
Other names: c.1059C>A, p.Tyr353Ter (NM_001001890.3); short protein forms Y353*, Y380*.
Identifiers: ClinVar variation 4728759 (VCV004728759.1).

ClinVar aggregate classification (germline): Pathogenic (1 of 4 stars; one submission).

Conditions:
Hereditary thrombocytopenia and hematological cancer predisposition syndrome associated with RUNX1. Also called: Familial Platelet Disorder with Propensity to Acute Myelogenous Leukemia; Familial thrombocytopenia with propensity to acute myelogenous leukemia; PLATELET DISORDER, ASPIRIN-LIKE; RUNX1 Familial Platelet Disorder with Associated Myeloid Malignancies. Identifiers: Orphanet 71290, MedGen C1832388, MeSH C563324, MONDO:0100083, OMIM 601399.

Submission:

Labcorp Genetics (formerly Invitae), Labcorp
Classification: Pathogenic for Hereditary thrombocytopenia and hematological cancer predisposition syndrome associated with RUNX1. Last evaluated: 2025-10-08. Review status: criteria provided, single submitter. Criteria: Invitae Variant Classification Sherloc (09022015). Collection method: clinical testing. Allele origin: germline.
Comment: This sequence change creates a premature translational stop signal (p.Tyr380*) in the RUNX1 gene. While this is not anticipated to result in nonsense mediated decay, it is expected to disrupt the last 101 amino acid(s) of the RUNX1 protein. This variant is not present in population databases (gnomAD no frequency). This variant has not been reported in the literature in individuals affected with RUNX1-related conditions. This variant disrupts a region of the RUNX1 protein in which other variant(s) (p.Tyr414*) have been determined to be pathogenic (PMID: 30600763, 36583461, 37738626). This suggests that this is a clinically significant region of the protein, and that variants that disrupt it are likely to be disease-causing. For these reasons, this variant has been classified as Pathogenic.

Literature cited by the submitters: PubMed 30600763; PubMed 36583461; PubMed 37738626.